The following is an entry in ClinVar:

ClinVar aggregate classification (germline): Uncertain significance (1 of 4 stars; one submission).

Allele frequency attached by ClinVar (database versions not stated): ExAC 0.00001.

Submission:

Labcorp Genetics (formerly Invitae), Labcorp
Classification: Uncertain significance. Last evaluated: 2024-07-29. Review status: criteria provided, single submitter. Criteria: Invitae Variant Classification Sherloc (09022015). Collection method: clinical testing. Allele origin: germline.
Comment: This sequence change replaces alanine, which is neutral and non-polar, with threonine, which is neutral and polar, at codon 144 of the DLL4 protein (p.Ala144Thr). The frequency data for this variant in the population databases is considered unreliable, as metrics indicate poor data quality at this position in the gnomAD database. This variant has not been reported in the literature in individuals affected with DLL4-related conditions. ClinVar contains an entry for this variant (Variation ID: 1432601). Advanced modeling of protein sequence and biophysical properties (such as structural, functional, and spatial information, amino acid conservation, physicochemical variation, residue mobility, and thermodynamic stability) performed at Invitae indicates that this missense variant is not expected to disrupt DLL4 protein function with a negative predictive value of 80%. In summary, the available evidence is currently insufficient to determine the role of this variant in disease. Therefore, it has been classified as a Variant of Uncertain Significance.

NM_019074.4(DLL4):c.430G>A (p.Ala144Thr)

Gene: DLL4 (delta like canonical Notch ligand 4; plus strand). Cytogenetic location: 15q15.1.
Variant type: single nucleotide variant.
Coding change: c.430G>A on transcript NM_019074.4 (MANE Select); coding-DNA position 430, G replaced by A.
Protein change: p.Ala144Thr; replaces alanine 144 with threonine.
Molecular consequence: missense variant.
Genome position (GRCh38, 1-based): chr15:40,931,538, G>A. VCF-style: chr15-40931538-G-A. GRCh37 (hg19) VCF-style: chr15-41223736-G-A.
Other names: short protein forms A144T.
Identifiers: ClinVar variation 1432601 (VCV001432601.6), dbSNP rs758331951, ClinGen allele CA7487688.